The following is an entry in ClinVar:

ClinVar aggregate classification (germline): Benign (1 of 4 stars; one submission).

Allele frequency attached by ClinVar (database versions not stated): gnomAD 0.13925 and 0.14484; TOPMed 0.14466; 1000 Genomes Project 30x 0.21205; 1000 Genomes Project 0.21725.
gnomAD v4.1: 21,900 of 152,080 alleles (14%); highest among the groups gnomAD compares: East Asian, 36%; 1,933 homozygotes.

Submission:

GeneDx
Classification: Benign. Last evaluated: 2018-06-19. Review status: criteria provided, single submitter. Criteria: GeneDx Variant Classification (06012015). Collection method: clinical testing. Allele origin: germline. Affected: yes.
Comment: This variant is considered likely benign or benign based on one or more of the following criteria: it is a conservative change, it occurs at a poorly conserved position in the protein, it is predicted to be benign by multiple in silico algorithms, and/or has population frequency not consistent with disease.

NM_001330260.2(SCN8A):c.4524+299G>A

Gene: SCN8A (sodium voltage-gated channel alpha subunit 8; plus strand). Cytogenetic location: 12q13.13.
Variant type: single nucleotide variant.
Coding change: c.4524+299G>A on transcript NM_001330260.2 (MANE Select); 299 bases into the intron after coding-DNA position 4524, G replaced by A.
Molecular consequence: intron variant.
Genome position (GRCh38, 1-based): chr12:51,790,801, G>A. VCF-style: chr12-51790801-G-A. GRCh37 (hg19) VCF-style: chr12-52184585-G-A.
Other names: c.4524+299G>A (NM_014191.4); c.4401+299G>A (NM_001177984.3, NM_001369788.1).
Identifiers: ClinVar variation 668853 (VCV000668853.1), dbSNP rs2241853, ClinGen allele CA236330047.